The following is an entry in ClinVar:

NM_001482.3(GATM):c.244A>G (p.Arg82Gly)

Gene: GATM (glycine amidinotransferase; minus strand). Cytogenetic location: 15q21.1.
Variant type: single nucleotide variant.
Coding change: c.244A>G on transcript NM_001482.3 (MANE Select); coding-DNA position 244, A replaced by G.
Protein change: p.Arg82Gly; replaces arginine 82 with glycine.
Molecular consequence: missense variant. On other transcripts: 5 prime UTR variant (1).
Genome position (GRCh38, 1-based): chr15:45,376,645, T>C on the plus strand (A>G on the coding strand, the complement: GATM is on the minus strand). VCF-style: chr15-45376645-T-C. GRCh37 (hg19) VCF-style: chr15-45668843-T-C.
Other names: c.-144A>G (NM_001321015.2); short protein forms R82G.
Identifiers: ClinVar variation 4811215 (VCV004811215.1).

ClinVar aggregate classification (germline): Uncertain significance (1 of 4 stars; one submission).

Conditions:
Arginine:glycine amidinotransferase deficiency (CCDS3). Also called: Creatine deficiency syndrome due to AGAT deficiency; GATM deficiency; Cerebral creatine deficiency syndrome 3; AGAT deficiency; L-Arginine:Glycine Amidinotransferase Deficiency; L-Arginine:Glycine Amidinotransferase (AGAT) Deficiency. Identifiers: Orphanet 35704, MedGen C2675179, MONDO:0012996, OMIM 612718.

Submission:

Labcorp Genetics (formerly Invitae), Labcorp
Classification: Uncertain significance for Arginine:glycine amidinotransferase deficiency. Last evaluated: 2025-04-17. Review status: criteria provided, single submitter. Criteria: Invitae Variant Classification Sherloc (09022015). Collection method: clinical testing. Allele origin: germline.
Comment: This sequence change replaces arginine, which is basic and polar, with glycine, which is neutral and non-polar, at codon 82 of the GATM protein (p.Arg82Gly). This variant is present in population databases (rs749173464, gnomAD 0.007%). This variant has not been reported in the literature in individuals affected with GATM-related conditions. Invitae Evidence Modeling of protein sequence and biophysical properties (such as structural, functional, and spatial information, amino acid conservation, physicochemical variation, residue mobility, and thermodynamic stability) indicates that this missense variant is expected to disrupt GATM protein function with a positive predictive value of 95%. In summary, the available evidence is currently insufficient to determine the role of this variant in disease. Therefore, it has been classified as a Variant of Uncertain Significance.